The following is an entry in ClinVar:

NM_001378454.1(ALMS1):c.3290A>G (p.Tyr1097Cys)

Gene: ALMS1 (ALMS1 centrosome and basal body associated protein; plus strand). Cytogenetic location: 2p13.1.
Variant type: single nucleotide variant.
Coding change: c.3290A>G on transcript NM_001378454.1 (MANE Select); coding-DNA position 3290, A replaced by G.
Protein change: p.Tyr1097Cys; replaces tyrosine 1097 with cysteine.
Molecular consequence: missense variant.
Genome position (GRCh38, 1-based): chr2:73,449,817, A>G. VCF-style: chr2-73449817-A-G. GRCh37 (hg19) VCF-style: chr2-73676944-A-G.
Other names: c.3293A>G, p.Tyr1098Cys (NM_015120.4); short protein forms Y1098C, Y1097C.
Identifiers: ClinVar variation 390302 (VCV000390302.26), dbSNP rs201816596, ClinGen allele CA1713496.
Genomic context (GRCh38, chr2:73,449,817, plus strand): 5'-CAGCCTTCCCTGGACCAGCTGACCAGATGACTGACACACCAGCAGTACCGTCTACTTTCT[A>G]CTCACAAAGAGAGAAGCCTGGTATTTTCTACCAACAGACCTTGCCAGAGAGTCATCTGCC-3'
Protein context (NP_001365383.1, residues 1087-1107): TDTPAVPSTF[Tyr1097Cys]SQREKPGIFY

ClinVar aggregate classification (germline): Conflicting classifications of pathogenicity. Review status: criteria provided, conflicting classifications (1 of 4 stars). 10 submissions from 10 submitters: Uncertain significance (8); Likely benign (1). 1 of the submissions does not count toward it. Last evaluated 2026-07-08.

Conditions:
Alstrom syndrome (ALMS). Identifiers: Orphanet 64, MedGen C0268425, MONDO:0008763, OMIM 203800.
Cardiovascular phenotype. Identifiers: MedGen CN230736.

Allele frequency attached by ClinVar (database versions not stated): gnomAD exomes 0.00006 and 0.00018; ExAC 0.00020; ESP Exome Variant Server 0.00042; gnomAD 0.00067 and 0.00068; TOPMed 0.00076; 1000 Genomes Project 0.00120; 1000 Genomes Project 30x 0.00141.
gnomAD v4.1: 212 of 1,614,016 alleles (0.013%); highest among the groups gnomAD compares: African/African-American, 0.19%; 1 homozygote.

Submissions (10):

GeneDx
Classification: Uncertain significance. Last evaluated: 2026-07-08. Review status: criteria provided, single submitter. Criteria: GeneDx Variant Classification Process June 2021. Collection method: clinical testing. Allele origin: germline.
Comment: In silico analysis supports that this missense variant has a deleterious effect on protein structure/function; This variant is associated with the following publications: (PMID: 39606411)

Women's Health and Genetics/Laboratory Corporation of America, LabCorp
Classification: Uncertain significance. Last evaluated: 2026-03-17. Review status: criteria provided, single submitter. Criteria: LabCorp Variant Classification Summary - May 2015. Collection method: clinical testing. Allele origin: germline.
Comment: Variant summary: ALMS1 c.3287A>G (p.Tyr1096Cys) results in a non-conservative amino acid change in the encoded protein sequence. Algorithms developed to predict the effect of missense changes on protein structure and function are either unavailable or do not agree on the potential impact of this missense change. The variant allele was found at a frequency of 0.00018 in 248524 control chromosomes. This frequency is not significantly higher than estimated for disease-causing variants in ALMS1, allowing no conclusion about variant significance. To our knowledge, no occurrence of c.3287A>G in individuals affected with ALMS1-related conditions and no experimental evidence demonstrating its impact on protein function have been reported. ClinVar contains an entry for this variant (Variation ID: 390302). Based on the evidence outlined above, the variant was classified as uncertain significance.

Blueprint Genetics
Classification: Uncertain significance. Last evaluated: 2024-11-06. Review status: criteria provided, single submitter. Criteria: ACMG Guidelines, 2015. Collection method: clinical testing. Allele origin: germline.

Labcorp Genetics (formerly Invitae), Labcorp
Classification: Uncertain significance for Alstrom syndrome. Last evaluated: 2022-10-24. Review status: criteria provided, single submitter. Criteria: Invitae Variant Classification Sherloc (09022015). Collection method: clinical testing. Allele origin: germline.
Comment: This sequence change replaces tyrosine, which is neutral and polar, with cysteine, which is neutral and slightly polar, at codon 1098 of the ALMS1 protein (p.Tyr1098Cys). This variant is present in population databases (rs201816596, gnomAD 0.2%). This variant has not been reported in the literature in individuals affected with ALMS1-related conditions. ClinVar contains an entry for this variant (Variation ID: 390302). Experimental studies and prediction algorithms are not available or were not evaluated, and the functional significance of this variant is currently unknown. In summary, the available evidence is currently insufficient to determine the role of this variant in disease. Therefore, it has been classified as a Variant of Uncertain Significance.

Fulgent Genetics
Classification: Uncertain significance for Alstrom syndrome. Last evaluated: 2022-03-04. Review status: criteria provided, single submitter. Criteria: ACMG Guidelines, 2015. Collection method: clinical testing. Allele origin: unknown.

Ambry Genetics
Classification: Likely benign for Cardiovascular phenotype. Last evaluated: 2021-07-26. Review status: criteria provided, single submitter. Criteria: Ambry Variant Classification Scheme 2023. Collection method: clinical testing. Allele origin: germline.

Genetic Services Laboratory, University of Chicago
Classification: Uncertain significance. Last evaluated: 2021-06-22. Review status: criteria provided, single submitter. Criteria: ACMG Guidelines, 2015. Collection method: clinical testing. Allele origin: germline. Affected: no.
Comment: DNA sequence analysis of the ALMS1 gene demonstrated a sequence change, c.3293A>G, in exon 8 that results in an amino acid change, p.Tyr1098Cys. This sequence change has been described in the gnomAD database with a frequency of 0.19% in the African/African-American subpopulation (dbSNP rs201816596). The p.Tyr1098Cys change affects a moderately conserved amino acid residue located in a domain of the ALMS1 protein that is not known to be functional. In-silico pathogenicity prediction tools (SIFT, PolyPhen2, Align GVGD, REVEL) provide contradictory results for the p.Tyr1098Cys substitution. This sequence change does not appear to have been previously described in patients with ALMS1-related disorders. Due to insufficient evidences and the lack of functional studies, the clinical significance of the p.Tyr1098Cys change remains unknown at this time.

New York Genome Center
Classification: Uncertain significance for Alstrom syndrome. Last evaluated: 2020-12-09. Review status: criteria provided, single submitter. Criteria: NYGC Assertion Criteria 2020. Collection method: clinical testing. Allele origin: germline. Observed: 1 heterozygote.

Breakthrough Genomics
Classification: Uncertain significance. Review status: criteria provided, single submitter. Criteria: ACMG Guidelines, 2015. Collection method: not provided. Allele origin: germline. Inheritance: Autosomal recessive inheritance. Affected: yes.

Natera, Inc.
Classification: Uncertain significance for Alstrom syndrome. Last evaluated: 2020-09-16. Review status: no assertion criteria provided. Collection method: clinical testing. Allele origin: germline. Not counted in ClinVar's aggregate classification.